The following is an entry in ClinVar:

NM_003384.3(VRK1):c.542C>G (p.Ser181Ter)

Gene: VRK1 (VRK serine/threonine kinase 1; plus strand). Cytogenetic location: 14q32.2.
Variant type: single nucleotide variant.
Coding change: c.542C>G on transcript NM_003384.3 (MANE Select); coding-DNA position 542, C replaced by G.
Protein change: p.Ser181Ter; replaces serine 181 with a stop codon.
Molecular consequence: nonsense.
Genome position (GRCh38, 1-based): chr14:96,853,132, C>G. VCF-style: chr14-96853132-C-G. GRCh37 (hg19) VCF-style: chr14-97319469-C-G.
Other names: c.542C>G, p.Ser181Ter (NM_001411051.1, NM_001411053.1); short protein forms S181*.
Identifiers: ClinVar variation 2699211 (VCV002699211.3), dbSNP rs2504185348, ClinGen allele CA390930599.
Genomic context (GRCh38, chr14:96,853,132, plus strand): 5'-AGCTGGATATTCTGGAATATATTCACGAGCATGAGTATGTGCATGGAGATATCAAGGCCT[C>G]AAATCTTCTTCTGAACTACAAGAATCCTGACCAGGTAGTTTTATAACTTTAATTTCTACT-3'

ClinVar aggregate classification (germline): Pathogenic (1 of 4 stars; one submission).

Conditions:
Pontocerebellar hypoplasia type 1A (PCH1A). Also called: PONTOCEREBELLAR HYPOPLASIA WITH ANTERIOR HORN CELL DISEASE; PONTOCEREBELLAR HYPOPLASIA WITH INFANTILE SPINAL MUSCULAR ATROPHY. Identifiers: Orphanet 2254, Orphanet 88616, MedGen C1843504, MONDO:0011866, OMIM 607596.

Submission:

Labcorp Genetics (formerly Invitae), Labcorp
Classification: Pathogenic for Pontocerebellar hypoplasia type 1A. Last evaluated: 2024-03-04. Review status: criteria provided, single submitter. Criteria: Invitae Variant Classification Sherloc (09022015). Collection method: clinical testing. Allele origin: germline.
Comment: This sequence change creates a premature translational stop signal (p.Ser181*) in the VRK1 gene. It is expected to result in an absent or disrupted protein product. Loss-of-function variants in VRK1 are known to be pathogenic (PMID: 19646678, 24126608, 27281532). This variant is not present in population databases (gnomAD no frequency). This variant has not been reported in the literature in individuals affected with VRK1-related conditions. For these reasons, this variant has been classified as Pathogenic.

Literature cited by the submitters: PubMed 19646678; PubMed 24126608; PubMed 27281532.